The following is an entry in ClinVar:

ClinVar aggregate classification (germline): Uncertain significance (1 of 4 stars; one submission).

Conditions:
Familial sleep-related hypermotor epilepsy. Also called: Autosomal Dominant Sleep-Related Hypermotor (Hyperkinetic) Epilepsy. Identifiers: Orphanet 98784, MedGen C3696898, MONDO:0000030.

Allele frequency attached by ClinVar (database versions not stated): ExAC 0.00005; gnomAD 0.00001; gnomAD exomes 0.00001; TOPMed 0.00003.

Submission:

Labcorp Genetics (formerly Invitae), Labcorp
Classification: Uncertain significance. Last evaluated: 2022-09-02. Review status: criteria provided, single submitter. Criteria: Invitae Variant Classification Sherloc (09022015). Collection method: clinical testing. Allele origin: germline.
Comment: The frequency data for this variant in the population databases is considered unreliable, as metrics indicate poor data quality at this position in the gnomAD database. In summary, the available evidence is currently insufficient to determine the role of this variant in disease. Therefore, it has been classified as a Variant of Uncertain Significance. Algorithms developed to predict the effect of missense changes on protein structure and function are either unavailable or do not agree on the potential impact of this missense change (SIFT: "Deleterious"; PolyPhen-2: "Probably Damaging"; Align-GVGD: "Class C0"). ClinVar contains an entry for this variant (Variation ID: 1352304). This variant has not been reported in the literature in individuals affected with CHRNB2-related conditions. This sequence change replaces arginine, which is basic and polar, with cysteine, which is neutral and slightly polar, at codon 91 of the CHRNB2 protein (p.Arg91Cys).

NM_000748.3(CHRNB2):c.271C>T (p.Arg91Cys)

Gene: CHRNB2 (cholinergic receptor nicotinic beta 2 subunit; plus strand). Cytogenetic location: 1q21.3.
Variant type: single nucleotide variant.
Coding change: c.271C>T on transcript NM_000748.3 (MANE Select); coding-DNA position 271, C replaced by T.
Protein change: p.Arg91Cys; replaces arginine 91 with cysteine.
Molecular consequence: missense variant.
Genome position (GRCh38, 1-based): chr1:154,570,273, C>T. VCF-style: chr1-154570273-C-T. GRCh37 (hg19) VCF-style: chr1-154542749-C-T.
Other names: short protein forms R91C.
Identifiers: ClinVar variation 1352304 (VCV001352304.6), dbSNP rs754725293, ClinGen allele CA1130690.